The following is an entry in ClinVar:

NM_022765.4(MICAL1):c.3050G>A (p.Arg1017Gln)

Gene: MICAL1 (microtubule associated monooxygenase, calponin and LIM domain containing 1; minus strand). Cytogenetic location: 6q21.
Variant type: single nucleotide variant.
Coding change: c.3050G>A on transcript NM_022765.4 (MANE Select); coding-DNA position 3050, G replaced by A.
Protein change: p.Arg1017Gln; replaces arginine 1017 with glutamine.
Molecular consequence: missense variant.
Genome position (GRCh38, 1-based): chr6:109,444,730, C>T on the plus strand (G>A on the coding strand, the complement: MICAL1 is on the minus strand). VCF-style: chr6-109444730-C-T. GRCh37 (hg19) VCF-style: chr6-109765933-C-T.
Other names: c.3050G>A (NM_022765.3); c.2792G>A, p.Arg931Gln (NM_001159291.2); c.3107G>A, p.Arg1036Gln (NM_001286613.2); short protein forms R1017Q, R1036Q, R931Q.
Identifiers: ClinVar variation 2180305 (VCV002180305.5), dbSNP rs200636139, ClinGen allele CA3952665.
Genomic context (GRCh38, chr6:109,444,730, plus strand): 5'-AGGCTTGCATGACACATCCCTGGGATGTGTCTGCTTCTCCCCACATTTCACCTACCTTCC[C>T]GGTTCATGTAGCCTCGTAGCTCCTGGTCCAGCTGCCACTGTTTCTCCTCCAGATTCAATT-3'
Protein context (NP_073602.3, residues 1007-1027): LDQELRGYMN[Arg1017Gln]EENLKTAADR

ClinVar aggregate classification (germline): Uncertain significance. Review status: criteria provided, multiple submitters, no conflicts (2 of 4 stars). 2 submissions from 2 submitters: Uncertain significance (2). Last evaluated 2025-12-13.

Allele frequency attached by ClinVar (database versions not stated): TOPMed 0.00003; gnomAD 0.00005; ExAC 0.00006; gnomAD exomes 0.00006; 1000 Genomes Project 30x 0.00016; 1000 Genomes Project 0.00020.
gnomAD v4.1: 103 of 1,614,108 alleles (0.0064%); highest among the groups gnomAD compares: Non-Finnish European, 0.007%; no homozygotes.

Submissions (2):

Labcorp Genetics (formerly Invitae), Labcorp
Classification: Uncertain significance. Last evaluated: 2025-12-13. Review status: criteria provided, single submitter. Criteria: Invitae Variant Classification Sherloc (09022015). Collection method: clinical testing. Allele origin: germline.
Comment: This sequence change replaces arginine, which is basic and polar, with glutamine, which is neutral and polar, at codon 1036 of the MICAL1 protein (p.Arg1036Gln). This variant is present in population databases (rs200636139, gnomAD 0.008%). This variant has not been reported in the literature in individuals affected with MICAL1-related conditions. ClinVar contains an entry for this variant (Variation ID: 2180305). An algorithm developed to predict the effect of missense changes on protein structure and function outputs the following: PolyPhen-2: "Benign". The glutamine amino acid residue is found in multiple mammalian species, which suggests that this missense change does not adversely affect protein function. In summary, the available evidence is currently insufficient to determine the role of this variant in disease. Therefore, it has been classified as a Variant of Uncertain Significance.

Ambry Genetics
Classification: Uncertain significance. Last evaluated: 2022-11-17. Review status: criteria provided, single submitter. Criteria: Ambry Variant Classification Scheme 2023. Collection method: clinical testing. Allele origin: germline.